The following is an entry in ClinVar:

ClinVar aggregate classification (germline): Uncertain significance (1 of 4 stars; one submission).

Allele frequency attached by ClinVar (database versions not stated): gnomAD 0.00003; gnomAD exomes 0.00003; TOPMed 0.00003; ExAC 0.00002; ESP Exome Variant Server 0.00008.
gnomAD v4.1: 41 of 1,612,550 alleles (0.0025%); highest among the groups gnomAD compares: Non-Finnish European, 0.0033%; no homozygotes.

Submission:

Labcorp Genetics (formerly Invitae), Labcorp
Classification: Uncertain significance. Last evaluated: 2024-10-25. Review status: criteria provided, single submitter. Criteria: Invitae Variant Classification Sherloc (09022015). Collection method: clinical testing. Allele origin: germline.
Comment: This sequence change replaces phenylalanine, which is neutral and non-polar, with tyrosine, which is neutral and polar, at codon 278 of the EIF2AK2 protein (p.Phe278Tyr). This variant is present in population databases (rs374360324, gnomAD 0.004%). This variant has not been reported in the literature in individuals affected with EIF2AK2-related conditions. ClinVar contains an entry for this variant (Variation ID: 2064981). An algorithm developed to predict the effect of missense changes on protein structure and function outputs the following: PolyPhen-2: "Benign". The tyrosine amino acid residue is found in multiple mammalian species, which suggests that this missense change does not adversely affect protein function. In summary, the available evidence is currently insufficient to determine the role of this variant in disease. Therefore, it has been classified as a Variant of Uncertain Significance.

NM_001135651.3(EIF2AK2):c.833T>A (p.Phe278Tyr)

Gene: EIF2AK2 (eukaryotic translation initiation factor 2 alpha kinase 2; minus strand). Cytogenetic location: 2p22.2.
Variant type: single nucleotide variant.
Coding change: c.833T>A on transcript NM_001135651.3 (MANE Select); coding-DNA position 833, T replaced by A.
Protein change: p.Phe278Tyr; replaces phenylalanine 278 with tyrosine.
Molecular consequence: missense variant. On other transcripts: intron variant (1).
Genome position (GRCh38, 1-based): chr2:37,126,364, A>T on the plus strand (T>A on the coding strand, the complement: EIF2AK2 is on the minus strand). VCF-style: chr2-37126364-A-T. GRCh37 (hg19) VCF-style: chr2-37353507-A-T.
Other names: c.833T>A, p.Phe278Tyr (NM_002759.4); c.786-3700T>A (NM_001135652.2); short protein forms F278Y.
Identifiers: ClinVar variation 2064981 (VCV002064981.3), dbSNP rs374360324, ClinGen allele CA1615169.